The following is an entry in ClinVar:

NM_000433.4(NCF2):c.383C>T (p.Ala128Val)

Gene: NCF2 (neutrophil cytosolic factor 2; minus strand). Cytogenetic location: 1q25.3.
Variant type: single nucleotide variant.
Coding change: c.383C>T on transcript NM_000433.4 (MANE Select); coding-DNA position 383, C replaced by T.
Protein change: p.Ala128Val; replaces alanine 128 with valine.
Molecular consequence: missense variant. On other transcripts: intron variant (2).
Genome position (GRCh38, 1-based): chr1:183,574,605, G>A on the plus strand (C>T on the coding strand, the complement: NCF2 is on the minus strand). VCF-style: chr1-183574605-G-A. GRCh37 (hg19) VCF-style: chr1-183543740-G-A.
Other names: c.383C>T, p.Ala128Val (NM_001127651.3); c.366+2994C>T (NM_001190789.2); c.367-1313C>T (NM_001190794.2); short protein forms A128V.
Identifiers: ClinVar variation 2246 (VCV000002246.3), dbSNP rs119103274, ClinGen allele CA115433.

ClinVar aggregate classification (germline): Likely pathogenic. Review status: criteria provided, single submitter (1 of 4 stars). 3 submissions from 3 submitters: Likely pathogenic (1). 2 of the submissions do not count toward it. Last evaluated 2026-04-09.

Conditions:
Chronic granulomatous disease. Identifiers: Orphanet 379, MedGen C0018203, MONDO:0018305.
Granulomatous disease, chronic, autosomal recessive, cytochrome b-positive, type 2. Also called: Chronic granulomatous disease due to deficiency of NCF-2; GRANULOMATOUS DISEASE, CHRONIC, AUTOSOMAL RECESSIVE, 2; GRANULOMATOUS DISEASE, CHRONIC, DUE TO NCF2 DEFICIENCY; CGD, AUTOSOMAL RECESSIVE CYTOCHROME b-POSITIVE, TYPE II; Chronic Granulomatous Disease, Autosomal Recessive, Cytochrome b-Positive, Type II. Identifiers: Orphanet 379, MedGen C1856245, MONDO:0009310, OMIM 233710.

Allele frequency attached by ClinVar (database versions not stated): TOPMed below 0.00001; gnomAD 0.00001.
gnomAD v4.1: 4 of 1,614,024 alleles (0.00025%); highest among the groups gnomAD compares: South Asian, 0.0033%; no homozygotes.

Submissions (3):

Women's Health and Genetics/Laboratory Corporation of America, LabCorp
Classification: Likely pathogenic for Chronic granulomatous disease. Last evaluated: 2026-04-09. Review status: criteria provided, single submitter. Criteria: LabCorp Variant Classification Summary - May 2015. Collection method: clinical testing. Allele origin: germline.
Comment: Variant summary: NCF2 c.383C>T (p.Ala128Val) results in a non-conservative amino acid change in the encoded protein sequence. Algorithms developed to predict the effect of missense changes on protein structure and function all suggest that this variant is likely to be disruptive. The variant was absent in 251398 control chromosomes (gnomAD). c.383C>T has been observed in individuals affected with Chronic Granulomatous Disease (Noack_1999). These data indicate that the variant is likely to be associated with disease. At least one publication reports experimental evidence evaluating an impact on protein function and this variant affects NCF2 protein function (Grizot_2001). The following publications have been ascertained in the context of this evaluation (PMID: 11262407, 19624736, 10598813, 20167518). ClinVar contains an entry for this variant (Variation ID: 2246). Based on the evidence outlined above, the variant was classified as likely pathogenic.

OMIM
Classification: Pathogenic for GRANULOMATOUS DISEASE, CHRONIC, AUTOSOMAL RECESSIVE, 2. Last evaluated: 1999-11-01. Review status: no assertion criteria provided. Collection method: literature only. Allele origin: germline. Not counted in ClinVar's aggregate classification.

UniProtKB/Swiss-Prot
No classification provided. Condition: Chronic granulomatous disease, autosomal recessive cytochrome b-positive, type 2. Review status: no classification provided. Collection method: not provided. Allele origin: germline. Not counted in ClinVar's aggregate classification.

Literature cited by the submitters: PubMed 19624736 (cited by Women's Health and Genetics/Laboratory Corporation of America, LabCorp); PubMed 20167518 (cited by Women's Health and Genetics/Laboratory Corporation of America, LabCorp); PubMed 10598813 (cited by Women's Health and Genetics/Laboratory Corporation of America, LabCorp and OMIM); PubMed 11262407 (cited by Women's Health and Genetics/Laboratory Corporation of America, LabCorp).